The following is an entry in ClinVar:

ClinVar aggregate classification (germline): Pathogenic/Likely pathogenic. Review status: criteria provided, multiple submitters, no conflicts (2 of 4 stars). 2 submissions from 2 submitters: Pathogenic (1); Likely pathogenic (1). Last evaluated 2024-03-30.

Conditions:
Neurofibromatosis, type 1 (NF1). Also called: NEUROFIBROMATOSIS, TYPE I, SOMATIC; VON RECKLINGHAUSEN DISEASE; Peripheral type neurofibromatosis; Neurofibromatosis, type I. Identifiers: Orphanet 636, MedGen C0027831, MONDO:0018975, OMIM 162200. Disease mechanism: loss of function.

Submissions (2):

Labcorp Genetics (formerly Invitae), Labcorp
Classification: Pathogenic for Neurofibromatosis, type 1. Last evaluated: 2024-03-30. Review status: criteria provided, single submitter. Criteria: Invitae Variant Classification Sherloc (09022015). Collection method: clinical testing. Allele origin: germline.
Comment: This sequence change creates a premature translational stop signal (p.Thr1553Alafs*5) in the NF1 gene. It is expected to result in an absent or disrupted protein product. Loss-of-function variants in NF1 are known to be pathogenic (PMID: 10712197, 23913538). This variant is not present in population databases (gnomAD no frequency). This variant has not been reported in the literature in individuals affected with NF1-related conditions. ClinVar contains an entry for this variant (Variation ID: 987799). Algorithms developed to predict the effect of sequence changes on RNA splicing suggest that this variant may disrupt the consensus splice site. For these reasons, this variant has been classified as Pathogenic.

Women's Health and Genetics/Laboratory Corporation of America, LabCorp
Classification: Likely pathogenic for Neurofibromatosis, type 1. Last evaluated: 2020-11-30. Review status: criteria provided, single submitter. Criteria: LabCorp Variant Classification Summary - May 2015. Collection method: clinical testing. Allele origin: germline.
Comment: Variant summary: NF1 c.4657_4661delACTAG (p.Thr1553AlafsX5) results in a premature termination codon, predicted to cause a truncation of the encoded protein or absence of the protein due to nonsense mediated decay, which are commonly known mechanisms for disease. Truncations downstream of this position have been classified as pathogenic by our laboratory. The variant was absent in 251142 control chromosomes. To our knowledge, no occurrence of c.4657_4661delACTAG in individuals affected with Neurofibromatosis Type 1 and no experimental evidence demonstrating its impact on protein function have been reported. No clinical diagnostic laboratories have submitted clinical-significance assessments for this variant to ClinVar after 2014. Based on the evidence outlined above, the variant was classified as likely pathogenic.

Literature cited by the submitters: PubMed 10712197 (cited by Labcorp Genetics (formerly Invitae), Labcorp); PubMed 23913538 (cited by Labcorp Genetics (formerly Invitae), Labcorp).

NM_001042492.3(NF1):c.4720_4724del (p.Thr1574fs)

Gene: NF1 (neurofibromin 1; plus strand). Cytogenetic location: 17q11.2.
Variant type: Deletion.
Coding change: c.4720_4724del on transcript NM_001042492.3 (MANE Select); coding-DNA positions 4720 to 4724, 5 bases deleted (ACTAG; older notation c.4720_4724delACTAG).
Protein change: p.Thr1574fs; shifts the reading frame from threonine 1574.
Molecular consequence: frameshift variant.
Genome position (GRCh38, 1-based): chr17:31,261,853-31,261,857, ACTAG deleted; deleting any 5 consecutive bases within chr17:31,261,852-31,261,857 gives the same sequence; the c. name uses the placement nearest the transcript's 3' end. VCF-style (leftmost placement, unchanged base first): chr17-31261851-TGACTA-T. GRCh37 (hg19) VCF-style: chr17-29588869-TGACTA-T.
Other names: c.4657_4661delACTAG (NM_000267.3); c.4657_4661delACTAG, p.Thr1553Alafs (NM_000267.4); short protein forms T1553fs, T1574fs.
Identifiers: ClinVar variation 987799 (VCV000987799.3), dbSNP rs2067692232, ClinGen allele CA1139665376.
Genomic context (GRCh38, chr17:31,261,851, plus strand): 5'-CTGTGGCAGATACACACTGGTCCAGCCTTAACCTTACCAGTTCAAAGTTTGAGGAATTTA[TGACTA>T]GGTAAAGTACAACCTTGAAATAGTTGATTGCTTTCTTTTTGGTTGAGAAGGAGAGTTTGC-3'